The following is an entry in ClinVar:

NM_177438.3(DICER1):c.673A>C (p.Lys225Gln)

Gene: DICER1 (dicer 1, ribonuclease III; minus strand). Cytogenetic location: 14q32.13.
Variant type: single nucleotide variant.
Coding change: c.673A>C on transcript NM_177438.3 (MANE Select); coding-DNA position 673, A replaced by C.
Protein change: p.Lys225Gln; replaces lysine 225 with glutamine.
Molecular consequence: missense variant. On other transcripts: non-coding transcript variant (6), 5 prime UTR variant (1).
Genome position (GRCh38, 1-based): chr14:95,129,533, T>G on the plus strand (A>C on the coding strand, the complement: DICER1 is on the minus strand). VCF-style: chr14-95129533-T-G. GRCh37 (hg19) VCF-style: chr14-95595870-T-G.
Other names: c.673A>C, p.Lys225Gln (NM_001395700.1, NM_030621.4, NM_001395692.1 and 14 more transcripts); c.268A>C, p.Lys90Gln (NM_001395696.1, NM_001395698.1, NM_001395687.1 and 3 more transcripts); c.-896A>C (NM_001395697.1); c.391A>C, p.Lys131Gln (NM_001395686.1); c.106A>C, p.Lys36Gln (NM_001395691.1); short protein forms K225Q, K36Q, K131Q, K90Q.
Identifiers: ClinVar variation 3720185 (VCV003720185.2).

ClinVar aggregate classification (germline): Uncertain significance (1 of 4 stars; one submission).

Conditions:
DICER1-related tumor predisposition. Also called: DICER1 syndrome; DICER1-related pleuropulmonary blastoma cancer predisposition syndrome. Identifiers: Orphanet 284343, MedGen C3839822, MONDO:0100216.

Submission:

Labcorp Genetics (formerly Invitae), Labcorp
Classification: Uncertain significance for DICER1-related tumor predisposition. Last evaluated: 2025-04-27. Review status: criteria provided, single submitter. Criteria: Invitae Variant Classification Sherloc (09022015). Collection method: clinical testing. Allele origin: germline.
Comment: This sequence change replaces lysine, which is basic and polar, with glutamine, which is neutral and polar, at codon 225 of the DICER1 protein (p.Lys225Gln). This variant is not present in population databases (gnomAD no frequency). This variant has not been reported in the literature in individuals affected with DICER1-related conditions. ClinVar contains an entry for this variant (Variation ID: 3720185). Invitae Evidence Modeling of protein sequence and biophysical properties (such as structural, functional, and spatial information, amino acid conservation, physicochemical variation, residue mobility, and thermodynamic stability) indicates that this missense variant is not expected to disrupt DICER1 protein function with a negative predictive value of 95%. In summary, the available evidence is currently insufficient to determine the role of this variant in disease. Therefore, it has been classified as a Variant of Uncertain Significance.